The following is an entry in ClinVar:

ClinVar aggregate classification (germline): Uncertain significance. Review status: criteria provided, multiple submitters, no conflicts (2 of 4 stars). 3 submissions from 3 submitters: Uncertain significance (3). Last evaluated 2023-10-05.

Allele frequency attached by ClinVar (database versions not stated): gnomAD exomes below 0.00001; TOPMed 0.00001; gnomAD 0.00002.
gnomAD v4.1: 8 of 1,540,870 alleles (0.00052%); highest among the groups gnomAD compares: Non-Finnish European, 0.00072%; no homozygotes.

Submissions (3):

Women's Health and Genetics/Laboratory Corporation of America, LabCorp
Classification: Uncertain significance. Last evaluated: 2023-10-05. Review status: criteria provided, single submitter. Criteria: LabCorp Variant Classification Summary - May 2015. Collection method: clinical testing. Allele origin: germline.

Ambry Genetics
Classification: Uncertain significance. Last evaluated: 2023-10-02. Review status: criteria provided, single submitter. Criteria: Ambry Variant Classification Scheme 2023. Collection method: clinical testing. Allele origin: germline.

Labcorp Genetics (formerly Invitae), Labcorp
Classification: Uncertain significance. Last evaluated: 2022-02-21. Review status: criteria provided, single submitter. Criteria: Invitae Variant Classification Sherloc (09022015). Collection method: clinical testing. Allele origin: germline.
Comment: This sequence change replaces serine, which is neutral and polar, with leucine, which is neutral and non-polar, at codon 221 of the ABRAXAS1 protein (p.Ser221Leu). This variant is not present in population databases (gnomAD no frequency). This variant has not been reported in the literature in individuals affected with ABRAXAS1-related conditions. ClinVar contains an entry for this variant (Variation ID: 655428). Algorithms developed to predict the effect of missense changes on protein structure and function are either unavailable or do not agree on the potential impact of this missense change (SIFT: "Deleterious"; PolyPhen-2: "Benign"; Align-GVGD: "Class C0"). In summary, the available evidence is currently insufficient to determine the role of this variant in disease. Therefore, it has been classified as a Variant of Uncertain Significance.

NM_139076.3(ABRAXAS1):c.662C>T (p.Ser221Leu)

Gene: ABRAXAS1 (abraxas 1, BRCA1 A complex subunit; minus strand). Cytogenetic location: 4q21.23.
Variant type: single nucleotide variant.
Coding change: c.662C>T on transcript NM_139076.3 (MANE Select); coding-DNA position 662, C replaced by T.
Protein change: p.Ser221Leu; replaces serine 221 with leucine.
Molecular consequence: missense variant.
Genome position (GRCh38, 1-based): chr4:83,467,473, G>A on the plus strand (C>T on the coding strand, the complement: ABRAXAS1 is on the minus strand). VCF-style: chr4-83467473-G-A. GRCh37 (hg19) VCF-style: chr4-84388626-G-A.
Other names: c.335C>T, p.Ser112Leu (NM_001345962.2); short protein forms S221L, S112L.
Identifiers: ClinVar variation 655428 (VCV000655428.10), dbSNP rs1415231112, ClinGen allele CA357258689.